The following is an entry in ClinVar:

NM_003748.4(ALDH4A1):c.363_370dup (p.Arg124fs)

Gene: ALDH4A1 (aldehyde dehydrogenase 4 family member A1; minus strand). Cytogenetic location: 1p36.13.
Variant type: Duplication.
Coding change: c.363_370dup on transcript NM_003748.4 (MANE Select); coding-DNA positions 363 to 370, 8 bases duplicated (TGCAGACC; older notation c.363_370dupTGCAGACC).
Protein change: p.Arg124fs; shifts the reading frame from arginine 124.
Molecular consequence: frameshift variant.
Genome position (GRCh38, 1-based): chr1:18,885,556-18,885,563, GGTCTGCA duplicated on the plus strand (TGCAGACC on the coding strand, the reverse complement: ALDH4A1 is on the minus strand). VCF-style (leftmost placement, unchanged base first): chr1-18885555-C-CGGTCTGCA. GRCh37 (hg19) VCF-style: chr1-19212049-C-CGGTCTGCA.
Other names: p.Arg124LeufsTer9; c.183_190dup, p.Arg64fs (NM_001161504.2); c.363_370dup, p.Arg124fs (NM_001319218.2, NM_170726.3); short protein forms R124fs, R64fs.
Identifiers: ClinVar variation 1809608 (VCV001809608.3), dbSNP rs2522599015, ClinGen allele CA2580061410.

ClinVar aggregate classification (germline): Likely pathogenic (1 of 4 stars; one submission).

Conditions:
Hyperprolinemia type 2 (HYRPRO2). Also called: 1-PYRROLINE-5-CARBOXYLATE DEHYDROGENASE DEFICIENCY; Delta-1-pyrroline-5-carboxylate dehydrogenase deficiency; Deficiency of pyrroline-5-carboxylate reductase. Identifiers: Orphanet 79101, MedGen C2931835, MONDO:0009401, OMIM 239510.

Submission:

Foundation for Research in Genetics and Endocrinology, FRIGE's Institute of Human Genetics
Classification: Likely pathogenic for Hyperprolinemia type 2. Last evaluated: 2020-08-31. Review status: criteria provided, single submitter. Criteria: ACMG Guidelines, 2015. Collection method: research. Allele origin: maternal. Inheritance: Autosomal recessive inheritance. Affected: yes. Observed: 1 compound heterozygote.
Comment: Two heterozygous variants, a 8 base pair duplication c.363_370dup (p.Arg124LeufsTer9) in exon 5 and a missense variant c.658G>C (p.Ala220P) in exon 7 of the ALDH4A1 gene were identified. The variant c.363_370dup was not observed in the 1000 genomes and gnomAD databases. The variant c.658G>C was not observed in the 1000Genomes but has a MAF of 0.003% in the gnomAD database. The in silico prediction of the variant c.363_370dup is damaging by MutationTaster2 and for the variant c.658G>C is damaging by LRT and MutationTaster2. The variant c.658G>C lies in the aldehyde dehydrogenase domain of the ALDH4A1 protein. The reference region are conserved across species. In summary, the variant c.363_370dup and c.658G>C meets our criteria to be classified as likely pathogenic and a variant of uncertain significance, respectively.